The following is an entry in ClinVar:

ClinVar aggregate classification (germline): Uncertain significance (1 of 4 stars; one submission).

Conditions:
Cardiac arrhythmia. Also called: Arrhythmia; Cardiac rhythm disease. Identifiers: MedGen C0003811, MONDO:0007263, HP:0011675.

gnomAD v4.1: 2 of 1,579,916 alleles (0.00013%); highest among the groups gnomAD compares: East Asian, 0.0023%; no homozygotes.

Submission:

Color Diagnostics, LLC DBA Color Health
Classification: Uncertain significance for Cardiac arrhythmia. Last evaluated: 2024-03-06. Review status: criteria provided, single submitter. Criteria: ACMG Guidelines, 2015. Collection method: clinical testing. Allele origin: germline.
Comment: This missense variant replaces tryptophan with cysteine at codon 1001 of the KCNH2 protein. Computational prediction suggests that this variant may have deleterious impact on protein structure and function (internally defined REVEL score threshold >= 0.7, PMID: 27666373). To our knowledge, functional studies have not been reported for this variant. This variant has not been reported in individuals affected with KCNH2-related disorders in the literature. This variant has not been identified in the general population by the Genome Aggregation Database (gnomAD). The available evidence is insufficient to determine the role of this variant in disease conclusively. Therefore, this variant is classified as a Variant of Uncertain Significance.

NM_000238.4(KCNH2):c.3003G>T (p.Trp1001Cys)

Gene: KCNH2 (potassium voltage-gated channel subfamily H member 2; minus strand). Cytogenetic location: 7q36.1.
Variant type: single nucleotide variant.
Coding change: c.3003G>T on transcript NM_000238.4 (MANE Select); coding-DNA position 3003, G replaced by T.
Protein change: p.Trp1001Cys; replaces tryptophan 1001 with cysteine.
Molecular consequence: missense variant. On other transcripts: non-coding transcript variant (2).
Genome position (GRCh38, 1-based): chr7:150,947,477, C>A on the plus strand (G>T on the coding strand, the complement: KCNH2 is on the minus strand). VCF-style: chr7-150947477-C-A. GRCh37 (hg19) VCF-style: chr7-150644565-C-A.
Other names: c.2715G>T, p.Trp905Cys (NM_001406753.1); c.1983G>T, p.Trp661Cys (NM_172057.3); short protein forms W1001C, W661C, W905C.
Identifiers: ClinVar variation 2773419 (VCV002773419.2), dbSNP rs121912509, ClinGen allele CA369852940.